The following is an entry in ClinVar:

ClinVar aggregate classification (germline): Uncertain significance (1 of 4 stars; one submission).

Conditions:
Cowden syndrome 6 (CWS6). Identifiers: Orphanet 201, MedGen C3554519, MONDO:0014048, OMIM 615109.

Submission:

Labcorp Genetics (formerly Invitae), Labcorp
Classification: Uncertain significance for Cowden syndrome 6. Last evaluated: 2022-08-21. Review status: criteria provided, single submitter. Criteria: Invitae Variant Classification Sherloc (09022015). Collection method: clinical testing. Allele origin: germline.
Comment: In summary, the available evidence is currently insufficient to determine the role of this variant in disease. Therefore, it has been classified as a Variant of Uncertain Significance. Algorithms developed to predict the effect of missense changes on protein structure and function are either unavailable or do not agree on the potential impact of this missense change (SIFT: "Deleterious"; PolyPhen-2: "Possibly Damaging"; Align-GVGD: "Class C15"). This variant has not been reported in the literature in individuals affected with AKT1-related conditions. This variant is not present in population databases (gnomAD no frequency). This sequence change replaces histidine, which is basic and polar, with leucine, which is neutral and non-polar, at codon 207 of the AKT1 protein (p.His207Leu).

NM_001382430.1(AKT1):c.620A>T (p.His207Leu)

Gene: AKT1 (AKT serine/threonine kinase 1; minus strand). Cytogenetic location: 14q32.33.
Variant type: single nucleotide variant.
Coding change: c.620A>T on transcript NM_001382430.1 (MANE Select); coding-DNA position 620, A replaced by T.
Protein change: p.His207Leu; replaces histidine 207 with leucine.
Molecular consequence: missense variant.
Genome position (GRCh38, 1-based): chr14:104,774,951, T>A on the plus strand (A>T on the coding strand, the complement: AKT1 is on the minus strand). VCF-style: chr14-104774951-T-A. GRCh37 (hg19) VCF-style: chr14-105241288-T-A.
Other names: c.620A>T, p.His207Leu (NM_001014431.2, NM_001014432.2, NM_001382431.1 and 3 more transcripts); short protein forms H207L.
Identifiers: ClinVar variation 1715721 (VCV001715721.5), dbSNP rs2140915293, ClinGen allele CA391219174.